The following is an entry in ClinVar:

NM_000180.4(GUCY2D):c.2112G>A (p.Glu704=)

Gene: GUCY2D (guanylate cyclase 2D, retinal; plus strand). Cytogenetic location: 17p13.1.
Variant type: single nucleotide variant.
Coding change: c.2112G>A on transcript NM_000180.4 (MANE Select); coding-DNA position 2112, G replaced by A.
Protein change: p.Glu704=; no amino-acid change (glutamic acid 704 retained).
Molecular consequence: synonymous variant.
Genome position (GRCh38, 1-based): chr17:8,012,605, G>A. VCF-style: chr17-8012605-G-A. GRCh37 (hg19) VCF-style: chr17-7915923-G-A.
Identifiers: ClinVar variation 2022194 (VCV002022194.4), dbSNP rs2545424360, ClinGen allele CA497953486.
Genomic context (GRCh38, chr17:8,012,605, plus strand): 5'-CCACGGCCACGGGAGACTGCTGGAAGCACAGAAGGTGCTACCGGAGCCTCCCAGAGCGGA[G>A]GGTAAGAGTCCCCTGTGCAGACGAGGATCCACCGGGATCCCCATTATTTCAAGGGCTTCT-3'
Protein context (NP_000171.1, residues 694-714): QKVLPEPPRA[Glu704=]DQLWTAPELL

ClinVar aggregate classification (germline): Uncertain significance (1 of 4 stars; one submission).

Conditions:
Leber congenital amaurosis 1 (LCA1). Also called: Congenital absence of the rods and cones; Leber's congenital tapetoretinal degeneration; Leber's congenital tapetoretinal dysplasia; RETINAL BLINDNESS, CONGENITAL; AMAUROSIS CONGENITA OF LEBER I. Identifiers: Orphanet 65, MedGen C2931258, MONDO:0008764, OMIM 204000.
Cone-rod dystrophy 6 (CORD6). Also called: RETINAL CONE DYSTROPHY 2; Cone dystrophy progressive. Identifiers: Orphanet 1872, MedGen C1866293, MONDO:0011143, OMIM 601777.

Submission:

Labcorp Genetics (formerly Invitae), Labcorp
Classification: Uncertain significance for Leber congenital amaurosis 1; Cone-rod dystrophy 6. Last evaluated: 2022-08-06. Review status: criteria provided, single submitter. Criteria: Invitae Variant Classification Sherloc (09022015). Collection method: clinical testing. Allele origin: germline.
Comment: This sequence change affects codon 704 of the GUCY2D mRNA. It is a 'silent' change, meaning that it does not change the encoded amino acid sequence of the GUCY2D protein. It affects a nucleotide within the consensus splice site. This variant is not present in population databases (gnomAD no frequency). In summary, the available evidence is currently insufficient to determine the role of this variant in disease. Therefore, it has been classified as a Variant of Uncertain Significance. Algorithms developed to predict the effect of sequence changes on RNA splicing suggest that this variant is not likely to affect RNA splicing. This variant has not been reported in the literature in individuals affected with GUCY2D-related conditions.